The following is an entry in ClinVar:

ClinVar aggregate classification (germline): Likely benign (1 of 4 stars; one submission).

Allele frequency attached by ClinVar (database versions not stated): gnomAD 0.00001; TOPMed 0.00002.
gnomAD v4.1: 12 of 1,552,310 alleles (0.00077%); highest among the groups gnomAD compares: Admixed American, 0.0033%; no homozygotes.

Submission:

GeneDx
Classification: Likely benign. Last evaluated: 2016-03-01. Review status: criteria provided, single submitter. Criteria: GeneDx Variant Classification (06012015). Collection method: clinical testing. Allele origin: germline. Affected: yes.
Comment: This variant is considered likely benign or benign based on one or more of the following criteria: it is a conservative change, it occurs at a poorly conserved position in the protein, it is predicted to be benign by multiple in silico algorithms, and/or has population frequency not consistent with disease.

NM_002667.5(PLN):c.-40C>T

Genes: CEP85L (centrosomal protein 85 like; minus strand), PLN (phospholamban; plus strand). Cytogenetic location: 6q22.31.
Variant type: single nucleotide variant.
Coding change: c.-40C>T on transcript NM_002667.5 (MANE Select); 40 bases upstream of the start codon, C replaced by T.
Molecular consequence: 5 prime UTR variant. On other transcripts: intron variant (3).
Genome position (GRCh38, 1-based): chr6:118,558,882, C>T. VCF-style: chr6-118558882-C-T. GRCh37 (hg19) VCF-style: chr6-118880045-C-T.
Other names: c.1029+6647G>A (NM_001178035.2); c.1020+6647G>A (NM_001042475.3, NM_206921.3).
Identifiers: ClinVar variation 384083 (VCV000384083.2), dbSNP rs774271388, ClinGen allele CA3977956.